The following is an entry in ClinVar:

NM_003119.4(SPG7):c.412T>A (p.Tyr138Asn)

Gene: SPG7 (SPG7 matrix AAA peptidase subunit, paraplegin; plus strand). Cytogenetic location: 16q24.3.
Variant type: single nucleotide variant.
Coding change: c.412T>A on transcript NM_003119.4 (MANE Select); coding-DNA position 412, T replaced by A.
Protein change: p.Tyr138Asn; replaces tyrosine 138 with asparagine.
Molecular consequence: missense variant.
Genome position (GRCh38, 1-based): chr16:89,524,041, T>A. VCF-style: chr16-89524041-T-A. GRCh37 (hg19) VCF-style: chr16-89590449-T-A.
Other names: p.Y138N:TAC>AAC; c.412T>A, p.Tyr138Asn (NM_001363850.1, NM_199367.3); short protein forms Y138N.
Identifiers: ClinVar variation 215202 (VCV000215202.4), dbSNP rs863224218, ClinGen allele CA324036.

ClinVar aggregate classification (germline): Uncertain significance (1 of 4 stars; one submission).

Allele frequency attached by ClinVar (database versions not stated): gnomAD exomes below 0.00001; TOPMed 0.00001.
gnomAD v4.1: 1 of 1,613,548 alleles (0.000062%); highest among the groups gnomAD compares: Non-Finnish European, 0.000085%; no homozygotes.

Submission:

GeneDx
Classification: Uncertain significance. Last evaluated: 2020-10-26. Review status: criteria provided, single submitter. Criteria: GeneDx Variant Classification Process June 2021. Collection method: clinical testing. Allele origin: germline. Affected: yes.
Comment: Not observed in large population cohorts (Lek et al., 2016); In silico analysis supports that this missense variant has a deleterious effect on protein structure/function; Has not been previously published as pathogenic or benign to our knowledge